The following is an entry in ClinVar:

NM_053054.4(CATSPER1):c.148G>A (p.Val50Met)

Gene: CATSPER1 (cation channel sperm associated 1; minus strand). Cytogenetic location: 11q13.1.
Variant type: single nucleotide variant.
Coding change: c.148G>A on transcript NM_053054.4 (MANE Select); coding-DNA position 148, G replaced by A.
Protein change: p.Val50Met; replaces valine 50 with methionine.
Molecular consequence: missense variant.
Genome position (GRCh38, 1-based): chr11:66,026,232, C>T on the plus strand (G>A on the coding strand, the complement: CATSPER1 is on the minus strand). VCF-style: chr11-66026232-C-T. GRCh37 (hg19) VCF-style: chr11-65793703-C-T.
Other names: short protein forms V50M.
Identifiers: ClinVar variation 877902 (VCV000877902.13), dbSNP rs139889481, ClinGen allele CA6114996.

ClinVar aggregate classification (germline): Conflicting classifications of pathogenicity. Review status: criteria provided, conflicting classifications (1 of 4 stars). 3 submissions from 3 submitters: Uncertain significance (1); Benign (1). 1 of the submissions does not count toward it. Last evaluated 2023-02-14.

Conditions:
CATSPER1-related disorder. Also called: CATSPER1-related condition.
Spermatogenic failure 7. Also called: MALE INFERTILITY, NONSYNDROMIC, AUTOSOMAL RECESSIVE. Identifiers: Orphanet 276234, MedGen C2751811, MONDO:0013070, OMIM 612997.

Allele frequency attached by ClinVar (database versions not stated): gnomAD exomes 0.00058; ExAC 0.00072; 1000 Genomes Project 30x 0.00156; gnomAD 0.00188 and 0.00195; 1000 Genomes Project 0.00200; TOPMed 0.00208; ESP Exome Variant Server 0.00262.
gnomAD v4.1: 660 of 1,613,034 alleles (0.041%); highest among the groups gnomAD compares: African/African-American, 0.65%; 2 homozygotes.

Submissions (3):

Labcorp Genetics (formerly Invitae), Labcorp
Classification: Benign. Last evaluated: 2023-02-14. Review status: criteria provided, single submitter. Criteria: Invitae Variant Classification Sherloc (09022015). Collection method: clinical testing. Allele origin: germline.

Illumina Laboratory Services, Illumina
Classification: Uncertain significance for Spermatogenic failure 7. Last evaluated: 2017-04-27. Review status: criteria provided, single submitter. Criteria: ICSL Variant Classification Criteria 13 December 2019. Collection method: clinical testing. Allele origin: germline.
Comment: This variant was observed as part of a predisposition screen in an ostensibly healthy population. A literature search was performed for the gene, cDNA change, and amino acid change (where applicable). Publications were found based on this search. However, the evidence from the literature, in combination with allele frequency data from public databases where available, was not sufficient to rule this variant in or out of causing disease. Therefore, this variant is classified as a variant of unknown significance.

PreventionGenetics, part of Exact Sciences
Classification: Benign for CATSPER1-related condition. Last evaluated: 2019-06-18. Review status: no assertion criteria provided. Collection method: clinical testing. Allele origin: germline. Not counted in ClinVar's aggregate classification.
Comment: This variant is classified as benign based on ACMG/AMP sequence variant interpretation guidelines (Richards et al. 2015 PMID: 25741868, with internal and published modifications).

Literature cited by the submitters: PubMed 21255775 (cited by Illumina Laboratory Services, Illumina); PubMed 24442342 (cited by Illumina Laboratory Services, Illumina).